The following is an entry in ClinVar:

ClinVar aggregate classification (germline): Benign (1 of 4 stars; one submission).

Allele frequency attached by ClinVar (database versions not stated): gnomAD exomes 0.00404; gnomAD 0.04050 and 0.04356; 1000 Genomes Project 0.04113; 1000 Genomes Project 30x 0.04544; TOPMed 0.04695.
gnomAD v4.1: 8,085 of 611,146 alleles (1.3%); highest among the groups gnomAD compares: African/African-American, 14%; 532 homozygotes.

Submission:

GeneDx
Classification: Benign. Last evaluated: 2018-06-16. Review status: criteria provided, single submitter. Criteria: GeneDx Variant Classification (06012015). Collection method: clinical testing. Allele origin: germline. Affected: yes.
Comment: This variant is considered likely benign or benign based on one or more of the following criteria: it is a conservative change, it occurs at a poorly conserved position in the protein, it is predicted to be benign by multiple in silico algorithms, and/or has population frequency not consistent with disease.

NM_001184.4(ATR):c.3171+132A>G

Gene: ATR (ATR checkpoint kinase; minus strand). Cytogenetic location: 3q23.
Variant type: single nucleotide variant.
Coding change: c.3171+132A>G on transcript NM_001184.4 (MANE Select); 132 bases into the intron after coding-DNA position 3171, A replaced by G.
Molecular consequence: intron variant.
Genome position (GRCh38, 1-based): chr3:142,549,347, T>C on the plus strand (A>G on the coding strand, the complement: ATR is on the minus strand). VCF-style: chr3-142549347-T-C. GRCh37 (hg19) VCF-style: chr3-142268189-T-C.
Other names: c.2979+132A>G (NM_001354579.2).
Identifiers: ClinVar variation 676997 (VCV000676997.1), dbSNP rs75957718, ClinGen allele CA84742823.
Genomic context (GRCh38, chr3:142,549,347, plus strand): 5'-TCAAAGAAAACAAAAGGAGAATTCTATTTAATATGCTCTCAGGACAAAGATTATTTAACA[T>C]AACAACATTTAAACTTACATTCTTCTAGGATAGGCTATAATTTACTCACCCTCTTTCCTA-3'